The following is an entry in ClinVar:

ClinVar aggregate classification (germline): Benign. Review status: criteria provided, multiple submitters, no conflicts (2 of 4 stars). 3 submissions from 3 submitters: Benign (3). Last evaluated 2018-07-05.

Conditions:
Aortic aneurysm, familial thoracic 4 (AAT4). Also called: AORTIC ANEURYSM/AORTIC DISSECTION AND PATENT DUCTUS ARTERIOSUS. Identifiers: MedGen C1851504, MONDO:0007568, OMIM 132900.

Allele frequency attached by ClinVar (database versions not stated): 1000 Genomes Project 30x 0.22908; 1000 Genomes Project 0.23203; TOPMed 0.24710; gnomAD 0.25428 and 0.25912.
gnomAD v4.1: 388,937 of 1,607,718 alleles (24%); highest among the groups gnomAD compares: African/African-American, 29%; 47,813 homozygotes.

Submissions (3):

ARUP Laboratories, Molecular Genetics and Genomics, ARUP Laboratories
Classification: Benign for Aortic aneurysm, familial thoracic 4. Last evaluated: 2018-07-05. Review status: criteria provided, single submitter. Criteria: ARUP Molecular Germline Variant Investigation Process. Collection method: clinical testing. Allele origin: germline.

GeneDx
Classification: Benign. Last evaluated: 2018-06-18. Review status: criteria provided, single submitter. Criteria: GeneDx Variant Classification (06012015). Collection method: clinical testing. Allele origin: germline. Affected: yes.
Comment: This variant is considered likely benign or benign based on one or more of the following criteria: it is a conservative change, it occurs at a poorly conserved position in the protein, it is predicted to be benign by multiple in silico algorithms, and/or has population frequency not consistent with disease.

Breakthrough Genomics
Classification: Benign. Review status: criteria provided, single submitter. Criteria: ACMG Guidelines, 2015. Collection method: not provided. Allele origin: germline. Inheritance: Autosomal recessive inheritance. Affected: yes.

NM_002474.3(MYH11):c.346-53A>G

Gene: MYH11 (myosin heavy chain 11; minus strand). Cytogenetic location: 16p13.11.
Variant type: single nucleotide variant.
Coding change: c.346-53A>G on transcript NM_002474.3 (MANE Select); 53 bases into the intron before coding-DNA position 346, A replaced by G.
Molecular consequence: intron variant.
Genome position (GRCh38, 1-based): chr16:15,823,464, T>C on the plus strand (A>G on the coding strand, the complement: MYH11 is on the minus strand). VCF-style: chr16-15823464-T-C. GRCh37 (hg19) VCF-style: chr16-15917321-T-C.
Other names: c.346-53A>G (NM_022844.3, NM_001040114.2, NM_001040113.2).
Identifiers: ClinVar variation 672352 (VCV000672352.10), dbSNP rs2272552, ClinGen allele CA16519662.